The following is an entry in ClinVar:

NM_001289808.2(CRYAB):c.125C>G (p.Thr42Ser)

Gene: CRYAB (crystallin alpha B; minus strand). Cytogenetic location: 11q23.1.
Variant type: single nucleotide variant.
Coding change: c.125C>G on transcript NM_001289808.2 (MANE Select); coding-DNA position 125, C replaced by G.
Protein change: p.Thr42Ser; replaces threonine 42 with serine.
Molecular consequence: missense variant.
Genome position (GRCh38, 1-based): chr11:111,911,600, G>C on the plus strand (C>G on the coding strand, the complement: CRYAB is on the minus strand). VCF-style: chr11-111911600-G-C. GRCh37 (hg19) VCF-style: chr11-111782324-G-C.
Other names: c.125C>G, p.Thr42Ser (NM_001289807.1, NM_001368245.1, NM_001885.3); short protein forms T42S.
Identifiers: ClinVar variation 1762693 (VCV001762693.2), dbSNP rs1965458164, ClinGen allele CA382600536.

ClinVar aggregate classification (germline): Uncertain significance (1 of 4 stars; one submission).

Conditions:
Cardiovascular phenotype. Identifiers: MedGen CN230736.

Submission:

Ambry Genetics
Classification: Uncertain significance for Cardiovascular phenotype. Last evaluated: 2019-05-17. Review status: criteria provided, single submitter. Criteria: Ambry Variant Classification Scheme 2023. Collection method: clinical testing. Allele origin: germline.
Comment: The p.T42S variant (also known as c.125C>G), located in coding exon 1 of the CRYAB gene, results from a C to G substitution at nucleotide position 125. The threonine at codon 42 is replaced by serine, an amino acid with similar properties. This amino acid position is not well conserved in available vertebrate species, and serine is the reference amino acid in other vertebrate species. In addition, this alteration is predicted to be tolerated by in silico analysis. Since supporting evidence is limited at this time, the clinical significance of this alteration remains unclear.